The following is an entry in ClinVar:

ClinVar aggregate classification (germline): Likely benign (0 of 4 stars; one submission).

Conditions:
ACOX2-related disorder. Also called: ACOX2-related condition.

Allele frequency attached by ClinVar (database versions not stated): TOPMed below 0.00001; gnomAD 0.00001.
gnomAD v4.1: 1 of 1,614,050 alleles (0.000062%); highest among the groups gnomAD compares: Non-Finnish European, 0.000085%; no homozygotes.

Submission:

PreventionGenetics, part of Exact Sciences
Classification: Likely benign for ACOX2-related condition. Last evaluated: 2021-09-15. Review status: no assertion criteria provided. Collection method: clinical testing. Allele origin: germline.
Comment: This variant is classified as likely benign based on ACMG/AMP sequence variant interpretation guidelines (Richards et al. 2015 PMID: 25741868, with internal and published modifications).

NM_003500.4(ACOX2):c.1425A>G (p.Ala475=)

Gene: ACOX2 (acyl-CoA oxidase 2; minus strand). Cytogenetic location: 3p14.3.
Variant type: single nucleotide variant.
Coding change: c.1425A>G on transcript NM_003500.4 (MANE Select); coding-DNA position 1425, A replaced by G.
Protein change: p.Ala475=; no amino-acid change (alanine 475 retained).
Molecular consequence: synonymous variant.
Genome position (GRCh38, 1-based): chr3:58,524,527, T>C on the plus strand (A>G on the coding strand, the complement: ACOX2 is on the minus strand). VCF-style: chr3-58524527-T-C. GRCh37 (hg19) VCF-style: chr3-58510254-T-C.
Identifiers: ClinVar variation 3060829 (VCV003060829.2), dbSNP rs1460753226, ClinGen allele CA434048927.